The following is an entry in ClinVar:

ClinVar aggregate classification (germline): Benign/Likely benign. Review status: criteria provided, multiple submitters, no conflicts (2 of 4 stars). 13 submissions from 13 submitters: Benign (11); Likely benign (1). 1 of the submissions does not count toward it. Last evaluated 2026-02-04.

Conditions:
Inborn genetic diseases. Identifiers: MedGen C0950123, MeSH D030342.
Developmental and epileptic encephalopathy, 12 (DEE12). Identifiers: MedGen C3150988, MONDO:0013389, OMIM 613722.

Allele frequency attached by ClinVar (database versions not stated): 1000 Genomes Project 30x 0.22814; 1000 Genomes Project 0.22863; TOPMed 0.23792; gnomAD 0.24864 and 0.25181; ESP Exome Variant Server 0.25334; gnomAD exomes 0.27439 and 0.29992; ExAC 0.29695.
gnomAD v4.1: 471,828 of 1,600,448 alleles (29%); highest among the groups gnomAD compares: South Asian, 34%; 72,118 homozygotes.

Submissions (13):

Labcorp Genetics (formerly Invitae), Labcorp
Classification: Benign for Developmental and epileptic encephalopathy, 12. Last evaluated: 2026-02-04. Review status: criteria provided, single submitter. Criteria: Invitae Variant Classification Sherloc (09022015). Collection method: clinical testing. Allele origin: germline.

Blueprint Genetics
Classification: Likely benign. Last evaluated: 2024-11-28. Review status: criteria provided, single submitter. Criteria: ACMG Guidelines, 2015. Collection method: clinical testing. Allele origin: germline.

Unidad de Genómica Garrahan, Hospital de Pediatría Garrahan
Classification: Benign. Last evaluated: 2024-07-15. Review status: criteria provided, single submitter. Criteria: ACMG Guidelines, 2015. Collection method: clinical testing. Allele origin: germline. Affected: no. Observed: 35 variant alleles.
Comment: This variant is classified as Benign based on local population frequency. This variant was detected in 38% of patients studied in a panel designed for Epileptic and Developmental Encephalopathy and Progressive Myoclonus Epilepsy. Number of patients: 35. Only high quality variants are reported.

Genome-Nilou Lab
Classification: Benign for Developmental and epileptic encephalopathy, 12. Last evaluated: 2021-09-05. Review status: criteria provided, single submitter. Criteria: ACMG Guidelines, 2015. Collection method: clinical testing. Allele origin: germline. Affected: no.

GeneDx
Classification: Benign. Last evaluated: 2020-11-24. Review status: criteria provided, single submitter. Criteria: GeneDx Variant Classification Process June 2021. Collection method: clinical testing. Allele origin: germline. Affected: yes.

Mayo Clinic Laboratories, Mayo Clinic
Classification: Benign. Last evaluated: 2018-04-02. Review status: criteria provided, single submitter. Criteria: ACMG Guidelines, 2015. Collection method: clinical testing. Allele origin: germline. Observed: 245 variant alleles.

Athena Diagnostics
Classification: Benign. Last evaluated: 2017-04-20. Review status: criteria provided, single submitter. Criteria: Athena Diagnostics Criteria. Collection method: clinical testing. Allele origin: germline.

Ambry Genetics
Classification: Benign for Inborn genetic diseases. Last evaluated: 2016-01-08. Review status: criteria provided, single submitter. Criteria: Ambry Variant Classification Scheme 2023. Collection method: clinical testing. Allele origin: germline.

Genome Diagnostics Laboratory, University Medical Center Utrecht
Classification: Benign for Developmental and epileptic encephalopathy, 12. Last evaluated: 2014-10-10. Review status: criteria provided, single submitter. Criteria: ACGS Guidelines, 2013. Collection method: clinical testing. Allele origin: germline. Affected: yes. Study: VKGL Data-share Consensus.

Genetic Services Laboratory, University of Chicago
Classification: Benign for AllHighlyPenetrant. Last evaluated: 2013-04-25. Review status: criteria provided, single submitter. Criteria: ACMG Guidelines, 2007. Collection method: clinical testing. Allele origin: germline. Inheritance: Autosomal recessive inheritance.

Breakthrough Genomics
Classification: Benign. Review status: criteria provided, single submitter. Criteria: ACMG Guidelines, 2015. Collection method: not provided. Allele origin: germline. Inheritance: Autosomal recessive inheritance. Affected: yes.

PreventionGenetics, part of Exact Sciences
Classification: Benign. Review status: criteria provided, single submitter. Criteria: ACMG Guidelines, 2015. Collection method: clinical testing. Allele origin: germline.

Diagnostic Laboratory, Department of Genetics, University Medical Center Groningen
Classification: Benign for Developmental and epileptic encephalopathy, 12. Review status: no assertion criteria provided. Collection method: clinical testing. Allele origin: germline. Affected: yes. Study: VKGL Data-share Consensus. Not counted in ClinVar's aggregate classification.

NM_015192.4(PLCB1):c.3337C>T (p.Leu1113=)

Gene: PLCB1 (phospholipase C beta 1; plus strand). Cytogenetic location: 20p12.3.
Variant type: single nucleotide variant.
Coding change: c.3337C>T on transcript NM_015192.4 (MANE Select); coding-DNA position 3337, C replaced by T.
Protein change: p.Leu1113=; no amino-acid change (leucine 1113 retained).
Molecular consequence: synonymous variant.
Genome position (GRCh38, 1-based): chr20:8,790,175, C>T. VCF-style: chr20-8790175-C-T. GRCh37 (hg19) VCF-style: chr20-8770822-C-T.
Other names: p.Leu1113=; c.3337C>T, p.Leu1113= (NM_182734.3).
Identifiers: ClinVar variation 129914 (VCV000129914.33), dbSNP rs2294597, ClinGen allele CA154289.